The following is an entry in ClinVar:

NM_015910.7(WDPCP):c.406C>T (p.Leu136=)

Gene: WDPCP (WD repeat containing planar cell polarity effector; minus strand). Cytogenetic location: 2p15.
Variant type: single nucleotide variant.
Coding change: c.406C>T on transcript NM_015910.7 (MANE Select); coding-DNA position 406, C replaced by T.
Protein change: p.Leu136=; no amino-acid change (leucine 136 retained).
Molecular consequence: synonymous variant. On other transcripts: non-coding transcript variant (2).
Genome position (GRCh38, 1-based): chr2:63,439,850, G>A on the plus strand (C>T on the coding strand, the complement: WDPCP is on the minus strand). VCF-style: chr2-63439850-G-A. GRCh37 (hg19) VCF-style: chr2-63666984-G-A.
Other names: c.334C>T, p.Leu112= (NM_001354044.2); c.406C>T, p.Leu136= (NM_001354045.2).
Identifiers: ClinVar variation 2650995 (VCV002650995.24), dbSNP rs1697387647, ClinGen allele CA426384412.

ClinVar aggregate classification (germline): Likely benign (1 of 4 stars; one submission).

Submission:

CeGaT Center for Human Genetics Tuebingen
Classification: Likely benign. Last evaluated: 2022-05-01. Review status: criteria provided, single submitter. Criteria: CeGaT Center For Human Genetics Tuebingen Variant Classification Criteria Version 2. Collection method: clinical testing. Allele origin: germline. Affected: yes. Observed: 1 variant allele.
Comment: WDPCP: PM2:Supporting, BP4, BP7